The following is an entry in ClinVar:

NM_001372.4(DNAH9):c.10676A>G (p.Asn3559Ser)

Genes: DNAH9 (dynein axonemal heavy chain 9; plus strand), LOC101928350 (uncharacterized LOC101928350; minus strand). Cytogenetic location: 17p12.
Variant type: single nucleotide variant.
Coding change: c.10676A>G on transcript NM_001372.4 (MANE Select); coding-DNA position 10676, A replaced by G.
Protein change: p.Asn3559Ser; replaces asparagine 3559 with serine.
Molecular consequence: missense variant.
Genome position (GRCh38, 1-based): chr17:11,881,283, A>G. VCF-style: chr17-11881283-A-G. GRCh37 (hg19) VCF-style: chr17-11784600-A-G.
Other names: short protein forms N3559S.
Identifiers: ClinVar variation 3686159 (VCV003686159.2).
Genomic context (GRCh38, chr17:11,881,283, plus strand): 5'-GAGACAAAGAATGTGAATACAATCCCAAGTTCCGGCTCATCCTCCACACCAAGCTGGCTA[A>G]TCCTCACTACCAGCCTGAGCTGCAGGCTCAGGCCACCCTGATCAACTTCACCGTGACCAG-3'
Protein context (NP_001363.2, residues 3549-3569): FRLILHTKLA[Asn3559Ser]PHYQPELQAQ

ClinVar aggregate classification (germline): Uncertain significance (1 of 4 stars; one submission).

gnomAD v4.1: 1 of 1,614,076 alleles (0.000062%); highest among the groups gnomAD compares: African/African-American, 0.0013%; no homozygotes.

Submission:

Labcorp Genetics (formerly Invitae), Labcorp
Classification: Uncertain significance. Last evaluated: 2024-08-18. Review status: criteria provided, single submitter. Criteria: Invitae Variant Classification Sherloc (09022015). Collection method: clinical testing. Allele origin: germline.
Comment: This sequence change replaces asparagine, which is neutral and polar, with serine, which is neutral and polar, at codon 3559 of the DNAH9 protein (p.Asn3559Ser). This variant is present in population databases (rs748330230, gnomAD 0.01%). This variant has not been reported in the literature in individuals affected with DNAH9-related conditions. An algorithm developed to predict the effect of missense changes on protein structure and function outputs the following: PolyPhen-2: "Possibly Damaging". The serine amino acid residue is found in multiple mammalian species, which suggests that this missense change does not adversely affect protein function. In summary, the available evidence is currently insufficient to determine the role of this variant in disease. Therefore, it has been classified as a Variant of Uncertain Significance.